The following is an entry in ClinVar:

NM_003809.3(TNFSF12):c.269G>A (p.Arg90Gln)

Genes: TNFSF12 (TNF superfamily member 12; plus strand), TNFSF12-TNFSF13 (TNFSF12-TNFSF13 readthrough; plus strand). Cytogenetic location: 17p13.1.
Variant type: single nucleotide variant.
Coding change: c.269G>A on transcript NM_003809.3 (MANE Select); coding-DNA position 269, G replaced by A.
Protein change: p.Arg90Gln; replaces arginine 90 with glutamine.
Molecular consequence: missense variant. On other transcripts: non-coding transcript variant (1).
Genome position (GRCh38, 1-based): chr17:7,550,181, G>A. VCF-style: chr17-7550181-G-A. GRCh37 (hg19) VCF-style: chr17-7453498-G-A.
Other names: c.269G>A, p.Arg90Gln (NM_172089.4); short protein forms R90Q.
Identifiers: ClinVar variation 654786 (VCV000654786.9), dbSNP rs745967426, ClinGen allele CA8350737.
Genomic context (GRCh38, chr17:7,550,181, plus strand): 5'-AACTGAATCCCCAGACAGAAGAAAGCCAGGATCCTGCGCCTTTCCTGAACCGACTAGTTC[G>A]GCCTCGCAGAAGTGGTGAGCATCCCTCTATCCCAACCTCAGGAAGCGGGCAGAGCAAAAA-3'
Protein context (NP_003800.1, residues 80-100): DPAPFLNRLV[Arg90Gln]PRRSAPKGRK

ClinVar aggregate classification (germline): Uncertain significance (1 of 4 stars; one submission).

Conditions:
Common variable immunodeficiency (CVID). Also called: Common variable hypogamma-globulinemia; Common variable agammaglobulinemia. Identifiers: Orphanet 1572, MedGen C0009447, MONDO:0015517.

Allele frequency attached by ClinVar (database versions not stated): ExAC 0.00001.

Submission:

Labcorp Genetics (formerly Invitae), Labcorp
Classification: Uncertain significance for Common variable immunodeficiency. Last evaluated: 2018-12-14. Review status: criteria provided, single submitter. Criteria: Invitae Variant Classification Sherloc (09022015). Collection method: clinical testing. Allele origin: germline.
Comment: In summary, the available evidence is currently insufficient to determine the role of this variant in disease. Therefore, it has been classified as a Variant of Uncertain Significance. Algorithms developed to predict the effect of missense changes on protein structure and function are either unavailable or do not agree on the potential impact of this missense change (SIFT: "Tolerated"; PolyPhen-2: "Probably Damaging"; Align-GVGD: "Class C0"). This variant has not been reported in the literature in individuals with TNFSF12-related conditions. This variant is present in population databases (rs745967426, ExAC 0.01%). This sequence change replaces arginine with glutamine at codon 90 of the TNFSF12 protein (p.Arg90Gln). The arginine residue is moderately conserved and there is a small physicochemical difference between arginine and glutamine.